The following is an entry in ClinVar:

NM_001130053.5(EEF1D):c.862C>T (p.Arg288Trp)

Gene: EEF1D (eukaryotic translation elongation factor 1 delta; minus strand). Cytogenetic location: 8q24.3.
Variant type: single nucleotide variant.
Coding change: c.862C>T on transcript NM_001130053.5 (MANE Select); coding-DNA position 862, C replaced by T.
Protein change: p.Arg288Trp; replaces arginine 288 with tryptophan.
Molecular consequence: missense variant. On other transcripts: intron variant (8).
Genome position (GRCh38, 1-based): chr8:143,589,220, G>A on the plus strand (C>T on the coding strand, the complement: EEF1D is on the minus strand). VCF-style: chr8-143589220-G-A. GRCh37 (hg19) VCF-style: chr8-144671390-G-A.
Other names: NC_000008.10:g.144671390G>A; c.862C>T, p.Arg288Trp (NM_032378.7); c.-4-2371C>T (NM_001317743.4, NM_001289950.4, NM_001130055.4); c.-7-2368C>T (NM_001130056.5, NM_001195203.4, NM_001960.7 and 2 more transcripts); short protein forms R288W.
Identifiers: ClinVar variation 3038727 (VCV003038727.13), dbSNP rs78886866, ClinGen allele CA4913749.

ClinVar aggregate classification (germline): Likely benign. Review status: criteria provided, single submitter (1 of 4 stars). 2 submissions from 2 submitters: Likely benign (1). 1 of the submissions does not count toward it. Last evaluated 2025-05-01.

Conditions:
EEF1D-related disorder. Also called: EEF1D-related condition.

Allele frequency attached by ClinVar (database versions not stated): 1000 Genomes Project 30x 0.00016; TOPMed 0.00165; ExAC 0.00166; gnomAD 0.00173; ESP Exome Variant Server 0.00189.
gnomAD v4.1: 4,449 of 1,581,002 alleles (0.28%); highest among the groups gnomAD compares: Non-Finnish European, 0.35%; 7 homozygotes.

Submissions (3):

CeGaT Center for Human Genetics Tuebingen
Classification: Likely benign. Last evaluated: 2025-05-01. Review status: criteria provided, single submitter. Criteria: CeGaT Center For Human Genetics Tuebingen Variant Classification Criteria Version 2. Collection method: clinical testing. Allele origin: germline. Affected: yes. Observed: 1 variant allele.
Comment: EEF1D: BS2

PreventionGenetics, part of Exact Sciences
Classification: Likely benign for EEF1D-related condition. Last evaluated: 2023-04-14. Review status: no assertion criteria provided. Collection method: clinical testing. Allele origin: germline. Not counted in ClinVar's aggregate classification.
Comment: This variant is classified as likely benign based on ACMG/AMP sequence variant interpretation guidelines (Richards et al. 2015 PMID: 25741868, with internal and published modifications).

Dr. Peter K. Rogan Lab, Western University
No classification provided (evidence only). Condition: Clear cell carcinoma of kidney. Review status: no classification provided. Collection method: in vitro. Allele origin: not applicable. Functional consequence: retained intron. Not counted in ClinVar's aggregate classification.